The following is an entry in ClinVar:

ClinVar aggregate classification (germline): Uncertain significance (1 of 4 stars; one submission).

gnomAD v4.1: 2 of 1,599,844 alleles (0.00013%); highest among the groups gnomAD compares: Admixed American, 0.0034%; no homozygotes.

Submission:

Labcorp Genetics (formerly Invitae), Labcorp
Classification: Uncertain significance. Last evaluated: 2023-12-31. Review status: criteria provided, single submitter. Criteria: Invitae Variant Classification Sherloc (09022015). Collection method: clinical testing. Allele origin: germline.
Comment: This sequence change replaces glycine, which is neutral and non-polar, with aspartic acid, which is acidic and polar, at codon 389 of the GPR161 protein (p.Gly389Asp). The frequency data for this variant in the population databases is considered unreliable, as metrics indicate poor data quality at this position in the gnomAD database. This variant has not been reported in the literature in individuals affected with GPR161-related conditions. An algorithm developed to predict the effect of missense changes on protein structure and function (PolyPhen-2) suggests that this variant is likely to be disruptive. In summary, the available evidence is currently insufficient to determine the role of this variant in disease. Therefore, it has been classified as a Variant of Uncertain Significance.

NM_001375883.1(GPR161):c.1106G>A (p.Gly369Asp)

Gene: GPR161 (G protein-coupled receptor 161; minus strand). Cytogenetic location: 1q24.2.
Variant type: single nucleotide variant.
Coding change: c.1106G>A on transcript NM_001375883.1 (MANE Select); coding-DNA position 1106, G replaced by A.
Protein change: p.Gly369Asp; replaces glycine 369 with aspartic acid.
Molecular consequence: missense variant.
Genome position (GRCh38, 1-based): chr1:168,090,662, C>T on the plus strand (G>A on the coding strand, the complement: GPR161 is on the minus strand). VCF-style: chr1-168090662-C-T. GRCh37 (hg19) VCF-style: chr1-168059900-C-T.
Other names: c.1166G>A, p.Gly389Asp (NM_001267609.1); c.1106G>A, p.Gly369Asp (NM_001267610.2, NM_001349632.1, NM_001349633.1 and 5 more transcripts); c.1157G>A, p.Gly386Asp (NM_001267611.1); c.710G>A, p.Gly237Asp (NM_001267612.2, NM_001349635.1); c.872G>A, p.Gly291Asp (NM_001267613.1); c.764G>A, p.Gly255Asp (NM_001267614.1); short protein forms G369D, G255D, G291D, G386D, G237D, G389D.
Identifiers: ClinVar variation 2703855 (VCV002703855.3), dbSNP rs1233813918, ClinGen allele CA343099978.